The following is an entry in ClinVar:

ClinVar aggregate classification (germline): Uncertain significance (1 of 4 stars; one submission).

Allele frequency attached by ClinVar (database versions not stated): gnomAD exomes below 0.00001.
gnomAD v4.1: 1 of 1,614,102 alleles (0.000062%); highest among the groups gnomAD compares: Non-Finnish European, 0.000085%; no homozygotes.

Submission:

Labcorp Genetics (formerly Invitae), Labcorp
Classification: Uncertain significance. Last evaluated: 2022-01-07. Review status: criteria provided, single submitter. Criteria: Invitae Variant Classification Sherloc (09022015). Collection method: clinical testing. Allele origin: germline.
Comment: This variant is not present in population databases (gnomAD no frequency). This sequence change replaces aspartic acid, which is acidic and polar, with valine, which is neutral and non-polar, at codon 887 of the MSH3 protein (p.Asp887Val). This variant has not been reported in the literature in individuals affected with MSH3-related conditions. ClinVar contains an entry for this variant (Variation ID: 959893). Algorithms developed to predict the effect of missense changes on protein structure and function are either unavailable or do not agree on the potential impact of this missense change (SIFT: "Deleterious"; PolyPhen-2: "Possibly Damaging"; Align-GVGD: "Class C0"). In summary, the available evidence is currently insufficient to determine the role of this variant in disease. Therefore, it has been classified as a Variant of Uncertain Significance.

NM_002439.5(MSH3):c.2660A>T (p.Asp887Val)

Gene: MSH3 (mutS homolog 3; plus strand). Cytogenetic location: 5q14.1.
Variant type: single nucleotide variant.
Coding change: c.2660A>T on transcript NM_002439.5 (MANE Select); coding-DNA position 2660, A replaced by T.
Protein change: p.Asp887Val; replaces aspartic acid 887 with valine.
Molecular consequence: missense variant.
Genome position (GRCh38, 1-based): chr5:80,813,588, A>T. VCF-style: chr5-80813588-A-T. GRCh37 (hg19) VCF-style: chr5-80109407-A-T.
Other names: short protein forms D887V.
Identifiers: ClinVar variation 959893 (VCV000959893.7), dbSNP rs1745046098, ClinGen allele CA360273809.